The following is an entry in ClinVar:

NM_005428.4(VAV1):c.1344C>T (p.Asn448=)

Gene: VAV1 (vav guanine nucleotide exchange factor 1; plus strand). Cytogenetic location: 19p13.3.
Variant type: single nucleotide variant.
Coding change: c.1344C>T on transcript NM_005428.4 (MANE Select); coding-DNA position 1344, C replaced by T.
Protein change: p.Asn448=; no amino-acid change (asparagine 448 retained).
Molecular consequence: synonymous variant.
Genome position (GRCh38, 1-based): chr19:6,829,864, C>T. VCF-style: chr19-6829864-C-T. GRCh37 (hg19) VCF-style: chr19-6829875-C-T.
Other names: c.1344C>T, p.Asn448= (NM_001258206.2); c.1248C>T, p.Asn416= (NM_001258207.2); c.1344C>T (NM_005428.3).
Identifiers: ClinVar variation 2739279 (VCV002739279.4), dbSNP rs1046027717, ClinGen allele CA304810412.

ClinVar aggregate classification (germline): Likely benign. Review status: criteria provided, single submitter (1 of 4 stars). 2 submissions from 2 submitters: Likely benign (1). 1 of the submissions does not count toward it. Last evaluated 2025-05-06.

Conditions:
VAV1-related disorder. Also called: VAV1-related condition.

Allele frequency attached by ClinVar (database versions not stated): TOPMed 0.00003; gnomAD 0.00001; gnomAD exomes 0.00002.
gnomAD v4.1: 26 of 1,614,064 alleles (0.0016%); highest among the groups gnomAD compares: East Asian, 0.0022%; no homozygotes.

Submissions (2):

Labcorp Genetics (formerly Invitae), Labcorp
Classification: Likely benign. Last evaluated: 2025-05-06. Review status: criteria provided, single submitter. Criteria: Invitae Variant Classification Sherloc (09022015). Collection method: clinical testing. Allele origin: germline.

PreventionGenetics, part of Exact Sciences
Classification: Likely benign for VAV1-related condition. Last evaluated: 2019-06-05. Review status: no assertion criteria provided. Collection method: clinical testing. Allele origin: germline. Not counted in ClinVar's aggregate classification.
Comment: This variant is classified as likely benign based on ACMG/AMP sequence variant interpretation guidelines (Richards et al. 2015 PMID: 25741868, with internal and published modifications).